The following is an entry in ClinVar:

ClinVar aggregate classification (germline): Likely benign. Review status: criteria provided, multiple submitters, no conflicts (2 of 4 stars). 3 submissions from 2 submitters: Likely benign (3). Last evaluated 2018-01-12.

Conditions:
Short-rib thoracic dysplasia 7 with or without polydactyly (SRTD7). Also called: Short rib polydactyly syndrome 5; SHORT-RIB THORACIC DYSPLASIA 7 WITH POLYDACTYLY. Identifiers: Orphanet 498497, Orphanet 93271, MedGen C3279792, MONDO:0013569, OMIM 614091.
Cranioectodermal dysplasia 2 (CED2). Identifiers: Orphanet 1515, MedGen C3150874, MONDO:0013323, OMIM 613610.

Allele frequency attached by ClinVar (database versions not stated): 1000 Genomes Project 0.00439; 1000 Genomes Project 30x 0.00500; TOPMed 0.01282; gnomAD 0.01376 and 0.01383; gnomAD exomes 0.04167.
gnomAD v4.1: 2,083 of 152,264 alleles (1.4%); highest among the groups gnomAD compares: Non-Finnish European, 2.1%; 16 homozygotes.

Submissions (3):

Illumina Laboratory Services, Illumina
Classification: Likely benign for Cranioectodermal dysplasia 2. Last evaluated: 2018-01-12. Review status: criteria provided, single submitter. Criteria: ICSL Variant Classification Criteria 13 December 2019. Collection method: clinical testing. Allele origin: germline.
Comment: This variant was observed in the ICSL laboratory as part of a predisposition screen in an ostensibly healthy population. It had not been previously curated by ICSL or reported in the Human Gene Mutation Database (HGMD: prior to June 1st, 2018), and was therefore a candidate for classification through an automated scoring system. Utilizing variant allele frequency, disease prevalence and penetrance estimates, and inheritance mode, an automated score was calculated to assess if this variant is too frequent to cause the disease. Based on the score and internal cut-off values, a variant classified as likely benign is not then subjected to further curation. The score for this variant resulted in a classification of likely benign for this disease.

Illumina Laboratory Services, Illumina
Classification: Likely benign for Short-rib thoracic dysplasia 7 with or without polydactyly. Last evaluated: 2018-01-12. Review status: criteria provided, single submitter. Criteria: ICSL Variant Classification Criteria 13 December 2019. Collection method: clinical testing. Allele origin: germline.
Comment: the same text as in the submission from Illumina Laboratory Services, Illumina above.

Breakthrough Genomics
Classification: Likely benign. Review status: criteria provided, single submitter. Criteria: ACMG Guidelines, 2015. Collection method: not provided. Allele origin: germline. Inheritance: Autosomal recessive inheritance. Affected: yes.

NM_020779.4(WDR35):c.*2315G>C

Gene: WDR35 (WD repeat domain 35; minus strand). Cytogenetic location: 2p24.1.
Variant type: single nucleotide variant.
Coding change: c.*2315G>C on transcript NM_020779.4 (MANE Select); 2315 bases downstream of the stop codon, G replaced by C.
Molecular consequence: 3 prime UTR variant.
Genome position (GRCh38, 1-based): chr2:19,911,243, C>G on the plus strand (G>C on the coding strand, the complement: WDR35 is on the minus strand). VCF-style: chr2-19911243-C-G. GRCh37 (hg19) VCF-style: chr2-20111004-C-G.
Other names: c.*2315G>C (NM_001006657.2).
Identifiers: ClinVar variation 895898 (VCV000895898.5), dbSNP rs72779355, ClinGen allele CA43853101.